The following is an entry in ClinVar:

NM_015338.6(ASXL1):c.3569G>A (p.Arg1190Lys)

Gene: ASXL1 (ASXL transcriptional regulator 1; plus strand). Cytogenetic location: 20q11.21.
Variant type: single nucleotide variant.
Coding change: c.3569G>A on transcript NM_015338.6 (MANE Select); coding-DNA position 3569, G replaced by A.
Protein change: p.Arg1190Lys; replaces arginine 1190 with lysine.
Molecular consequence: missense variant.
Genome position (GRCh38, 1-based): chr20:32,436,281, G>A. VCF-style: chr20-32436281-G-A. GRCh37 (hg19) VCF-style: chr20-31024084-G-A.
Other names: c.3386G>A, p.Arg1129Lys (NM_001363734.1); short protein forms R1129K, R1190K.
Identifiers: ClinVar variation 3628906 (VCV003628906.2).
Genomic context (GRCh38, chr20:32,436,281, plus strand): 5'-TAAGGGCTTTGAAGGAGCCTCTTCTGCCAGATAGCTGTGAAACAGGCACTGGTCTTGCCA[G>A]GATTGAGGCCACCCAGGCTCCTGGAGCACCCCAAAAGAATTGCAAGGCAGTCCCAAGTTT-3'
Protein context (NP_056153.2, residues 1180-1200): DSCETGTGLA[Arg1190Lys]IEATQAPGAP

ClinVar aggregate classification (germline): Uncertain significance (1 of 4 stars; one submission).

gnomAD v4.1: 20 of 1,614,074 alleles (0.0012%); highest among the groups gnomAD compares: South Asian, 0.0033%; no homozygotes.

Submission:

Labcorp Genetics (formerly Invitae), Labcorp
Classification: Uncertain significance. Last evaluated: 2024-08-08. Review status: criteria provided, single submitter. Criteria: Invitae Variant Classification Sherloc (09022015). Collection method: clinical testing. Allele origin: germline.
Comment: This sequence change replaces arginine, which is basic and polar, with lysine, which is basic and polar, at codon 1190 of the ASXL1 protein (p.Arg1190Lys). This variant is present in population databases (rs779117478, gnomAD 0.003%). This variant has not been reported in the literature in individuals affected with ASXL1-related conditions. An algorithm developed to predict the effect of missense changes on protein structure and function outputs the following: PolyPhen-2: "Benign". The lysine amino acid residue is found in multiple mammalian species, which suggests that this missense change does not adversely affect protein function. In summary, the available evidence is currently insufficient to determine the role of this variant in disease. Therefore, it has been classified as a Variant of Uncertain Significance.